The following is an entry in ClinVar:

NM_000054.7(AVPR2):c.365G>A (p.Gly122Asp)

Gene: AVPR2 (arginine vasopressin receptor 2; plus strand). Cytogenetic location: Xq28.
Variant type: single nucleotide variant.
Coding change: c.365G>A on transcript NM_000054.7 (MANE Select); coding-DNA position 365, G replaced by A.
Protein change: p.Gly122Asp; replaces glycine 122 with aspartic acid.
Molecular consequence: missense variant.
Genome position (GRCh38, 1-based): chrX:153,905,871, G>A. VCF-style: chrX-153905871-G-A. GRCh37 (hg19) VCF-style: chrX-153171325-G-A.
Other names: c.365G>A, p.Gly122Asp (NM_001146151.3); short protein forms G122D.
Identifiers: ClinVar variation 3724654 (VCV003724654.2).

ClinVar aggregate classification (germline): Uncertain significance (1 of 4 stars; one submission).

Submission:

Labcorp Genetics (formerly Invitae), Labcorp
Classification: Uncertain significance. Last evaluated: 2024-08-24. Review status: criteria provided, single submitter. Criteria: Invitae Variant Classification Sherloc (09022015). Collection method: clinical testing. Allele origin: germline.
Comment: This sequence change replaces glycine, which is neutral and non-polar, with aspartic acid, which is acidic and polar, at codon 122 of the AVPR2 protein (p.Gly122Asp). This variant is not present in population databases (gnomAD no frequency). This missense change has been observed in individual(s) with nephrogenic diabetes insipidus (PMID: 16845277). It has also been observed to segregate with disease in related individuals. Invitae Evidence Modeling of protein sequence and biophysical properties (such as structural, functional, and spatial information, amino acid conservation, physicochemical variation, residue mobility, and thermodynamic stability) indicates that this missense variant is expected to disrupt AVPR2 protein function with a positive predictive value of 80%. This variant disrupts the p.Gly122 amino acid residue in AVPR2. Other variant(s) that disrupt this residue have been observed in individuals with AVPR2-related conditions (PMID: 9853256), which suggests that this may be a clinically significant amino acid residue. In summary, the available evidence is currently insufficient to determine the role of this variant in disease. Therefore, it has been classified as a Variant of Uncertain Significance.

Literature cited by the submitters: PubMed 16845277; PubMed 9853256.